The following is an entry in ClinVar:

NM_001261826.3(AP3D1):c.599A>G (p.Gln200Arg)

Gene: AP3D1 (adaptor related protein complex 3 subunit delta 1; minus strand). Cytogenetic location: 19p13.3.
Variant type: single nucleotide variant.
Coding change: c.599A>G on transcript NM_001261826.3 (MANE Select); coding-DNA position 599, A replaced by G.
Protein change: p.Gln200Arg; replaces glutamine 200 with arginine.
Molecular consequence: missense variant.
Genome position (GRCh38, 1-based): chr19:2,129,451, T>C on the plus strand (A>G on the coding strand, the complement: AP3D1 is on the minus strand). VCF-style: chr19-2129451-T-C. GRCh37 (hg19) VCF-style: chr19-2129450-T-C.
Other names: c.599A>G, p.Gln200Arg (NM_001374799.1, NM_003938.8); c.599A>G (NM_003938.5); short protein forms Q200R.
Identifiers: ClinVar variation 1987996 (VCV001987996.5), dbSNP rs758377051, ClinGen allele CA9059640.

ClinVar aggregate classification (germline): Uncertain significance. Review status: criteria provided, multiple submitters, no conflicts (2 of 4 stars). 2 submissions from 2 submitters: Uncertain significance (2). Last evaluated 2025-12-16.

Conditions:
Inborn genetic diseases. Identifiers: MedGen C0950123, MeSH D030342.

Allele frequency attached by ClinVar (database versions not stated): gnomAD exomes 0.00004; ExAC 0.00002; gnomAD 0.00003; TOPMed 0.00003.

Submissions (2):

Ambry Genetics
Classification: Uncertain significance for Inborn genetic diseases. Last evaluated: 2025-12-16. Review status: criteria provided, single submitter. Criteria: Ambry Variant Classification Scheme 2023. Collection method: clinical testing. Allele origin: germline.

Labcorp Genetics (formerly Invitae), Labcorp
Classification: Uncertain significance. Last evaluated: 2024-12-17. Review status: criteria provided, single submitter. Criteria: Invitae Variant Classification Sherloc (09022015). Collection method: clinical testing. Allele origin: germline.
Comment: This sequence change replaces glutamine, which is neutral and polar, with arginine, which is basic and polar, at codon 200 of the AP3D1 protein (p.Gln200Arg). The frequency data for this variant in the population databases is considered unreliable, as metrics indicate poor data quality at this position in the gnomAD database. This variant has not been reported in the literature in individuals affected with AP3D1-related conditions. ClinVar contains an entry for this variant (Variation ID: 1987996). An algorithm developed to predict the effect of missense changes on protein structure and function (PolyPhen-2) suggests that this variant is likely to be tolerated. In summary, the available evidence is currently insufficient to determine the role of this variant in disease. Therefore, it has been classified as a Variant of Uncertain Significance.